The following is an entry in ClinVar:

NM_001160148.2(DDHD1):c.1371G>A (p.Trp457Ter)

Gene: DDHD1 (DDHD domain containing 1; minus strand). Cytogenetic location: 14q22.1.
Variant type: single nucleotide variant.
Coding change: c.1371G>A on transcript NM_001160148.2 (MANE Select); coding-DNA position 1371, G replaced by A.
Protein change: p.Trp457Ter; replaces tryptophan 457 with a stop codon.
Molecular consequence: nonsense.
Genome position (GRCh38, 1-based): chr14:53,073,766, C>T on the plus strand (G>A on the coding strand, the complement: DDHD1 is on the minus strand). VCF-style: chr14-53073766-C-T. GRCh37 (hg19) VCF-style: chr14-53540484-C-T.
Other names: c.1392G>A, p.Trp464Ter (NM_001160147.2); c.1371G>A, p.Trp457Ter (NM_030637.3); short protein forms W457*, W464*.
Identifiers: ClinVar variation 2015090 (VCV002015090.4), dbSNP rs2503144489, ClinGen allele CA389764672.
Genomic context (GRCh38, chr14:53,073,766, plus strand): 5'-ATTGGCTAAATCATTCAATTTTTAAATAAATATACCTCCATCAAGAGTAAGTTTTGACCG[C>T]CACTCAACAGGCAGAAATTCAACATGTGTTGCATGGTTGGAAAAATGCCTTTCTTCTATT-3'

ClinVar aggregate classification (germline): Pathogenic (1 of 4 stars; one submission).

Conditions:
Hereditary spastic paraplegia 28. Also called: Spastic paraplegia 28, autosomal recessive. Identifiers: Orphanet 101008, MedGen C1836295, MONDO:0012256, OMIM 609340.

Allele frequency attached by ClinVar (database versions not stated): gnomAD exomes below 0.00001.
gnomAD v4.1: 3 of 1,607,814 alleles (0.00019%); highest among the groups gnomAD compares: East Asian, 0.0022%; no homozygotes.

Submission:

Labcorp Genetics (formerly Invitae), Labcorp
Classification: Pathogenic for Hereditary spastic paraplegia 28. Last evaluated: 2022-07-08. Review status: criteria provided, single submitter. Criteria: Invitae Variant Classification Sherloc (09022015). Collection method: clinical testing. Allele origin: germline.
Comment: For these reasons, this variant has been classified as Pathogenic. This variant has not been reported in the literature in individuals affected with DDHD1-related conditions. This variant is not present in population databases (gnomAD no frequency). This sequence change creates a premature translational stop signal (p.Trp464*) in the DDHD1 gene. It is expected to result in an absent or disrupted protein product. Loss-of-function variants in DDHD1 are known to be pathogenic (PMID: 23176821, 24989667, 26944165, 27216551).

Literature cited by the submitters: PubMed 23176821; PubMed 24989667; PubMed 26944165; PubMed 27216551.